The following is an entry in ClinVar:

ClinVar aggregate classification (germline): Uncertain significance (1 of 4 stars; one submission).

Allele frequency attached by ClinVar (database versions not stated): gnomAD exomes below 0.00001; ExAC 0.00001.
gnomAD v4.1: 2 of 1,613,314 alleles (0.00012%); highest among the groups gnomAD compares: South Asian, 0.0011%; no homozygotes.

Submission:

Labcorp Genetics (formerly Invitae), Labcorp
Classification: Uncertain significance. Last evaluated: 2022-07-26. Review status: criteria provided, single submitter. Criteria: Invitae Variant Classification Sherloc (09022015). Collection method: clinical testing. Allele origin: germline.
Comment: In summary, the available evidence is currently insufficient to determine the role of this variant in disease. Therefore, it has been classified as a Variant of Uncertain Significance. Algorithms developed to predict the effect of missense changes on protein structure and function are either unavailable or do not agree on the potential impact of this missense change (SIFT: "Not Available"; PolyPhen-2: "Benign"; Align-GVGD: "Not Available"). This variant has not been reported in the literature in individuals affected with ADD3-related conditions. This variant is present in population databases (rs753650669, gnomAD 0.003%). This sequence change replaces glycine, which is neutral and non-polar, with aspartic acid, which is acidic and polar, at codon 575 of the ADD3 protein (p.Gly575Asp).

NM_016824.5(ADD3):c.1724G>A (p.Gly575Asp)

Gene: ADD3 (adducin 3; plus strand). Cytogenetic location: 10q25.2.
Variant type: single nucleotide variant.
Coding change: c.1724G>A on transcript NM_016824.5 (MANE Select); coding-DNA position 1724, G replaced by A.
Protein change: p.Gly575Asp; replaces glycine 575 with aspartic acid.
Molecular consequence: missense variant.
Genome position (GRCh38, 1-based): chr10:110,130,478, G>A. VCF-style: chr10-110130478-G-A. GRCh37 (hg19) VCF-style: chr10-111890236-G-A.
Other names: c.1724G>A, p.Gly575Asp (NM_001121.4, NM_001320591.2, NM_001320592.2 and 2 more transcripts); c.1490G>A, p.Gly497Asp (NM_001320594.2); short protein forms G575D, G497D.
Identifiers: ClinVar variation 1922105 (VCV001922105.5), dbSNP rs753650669, ClinGen allele CA5686700.